The following is an entry in ClinVar:

ClinVar aggregate classification (germline): Uncertain significance (1 of 4 stars; one submission).

Submission:

GeneDx
Classification: Uncertain significance. Last evaluated: 2019-12-11. Review status: criteria provided, single submitter. Criteria: GeneDx Variant Classification Process June 2021. Collection method: clinical testing. Allele origin: germline. Affected: yes.
Comment: Has not been previously published as pathogenic or benign to our knowledge; Not observed in large population cohorts (Lek et al., 2016); Frameshift variant predicted to result in protein truncation or nonsense mediated decay in a gene for which loss-of-function is not a known mechanism of disease; Variant is not located in the A-band region of titin, where the majority of truncating pathogenic variants associated with DCM have been reported (Herman et al., 2012)

NM_001267550.2(TTN):c.36dup (p.Gln13fs)

Gene: TTN (titin; minus strand). Cytogenetic location: 2q31.2.
Variant type: Duplication.
Coding change: c.36dup on transcript NM_001267550.2 (MANE Select); coding-DNA position 36, one base duplicated (A; older notation c.36dupA).
Protein change: p.Gln13fs; shifts the reading frame from glutamine 13.
Molecular consequence: frameshift variant.
Genome position (GRCh38, 1-based): chr2:178,804,607, T duplicated on the plus strand (A on the coding strand, the reverse complement: TTN is on the minus strand). VCF-style (leftmost placement, unchanged base first): chr2-178804606-G-GT. GRCh37 (hg19) VCF-style: chr2-179669333-G-GT.
Other names: c.36dup, p.Gln13fs (NM_001256850.1, NM_003319.4, NM_133378.4 and 3 more transcripts); short protein forms Q13fs.
Identifiers: ClinVar variation 1310991 (VCV001310991.2), dbSNP rs2154361009, ClinGen allele CA2573051810.